The following is an entry in ClinVar:

ClinVar aggregate classification (germline): Conflicting classifications of pathogenicity. Review status: criteria provided, conflicting classifications (1 of 4 stars). 2 submissions from 2 submitters: Pathogenic (1); Uncertain significance (1). Last evaluated 2024-10-09.

Conditions:
Intellectual developmental disorder, autosomal dominant 72 (MRD72). Identifiers: Orphanet 652487, MedGen C5830612, MONDO:0957397, OMIM 620439.

Submissions (2):

Victorian Clinical Genetics Services, Murdoch Childrens Research Institute
Classification: Pathogenic for Intellectual developmental disorder, autosomal dominant 72. Last evaluated: 2024-10-09. Review status: criteria provided, single submitter. Criteria: ACMG Guidelines, 2015. Collection method: clinical testing. Allele origin: germline. Inheritance: Autosomal dominant inheritance. Affected: yes.
Comment: Based on the classification scheme VCGS_Germline_v1.3.4, this variant is classified as Pathogenic. Following criteria are met: 0102 - Loss of function is a known mechanism of disease in this gene and is associated with intellectual developmental disorder, autosomal dominant 72 (MIM#620439). (I) 0107 - This gene is associated with autosomal dominant disease. (I) 0201 - Variant is predicted to cause nonsense-mediated decay (NMD) and loss of protein (premature termination codon is located at least 54 nucleotides upstream of the final exon-exon junction). (SP) 0251 - This variant is heterozygous. (I) 0301 - Variant is absent from gnomAD (both v2 and v3). (SP) 0701 - Other NMD-predicted variants comparable to the one identified in this case have very strong previous evidence for pathogenicity. Many NMD-predicted variants have been reported as pathogenic (ClinVar). (SP) 0809 - Previous evidence of pathogenicity for this variant is inconclusive. This variant has been reported once as a VUS (ClinVar), however, this classification was determined when the gene disease-association was still emerging. (I) 0905 - No published segregation evidence has been identified for this variant. (I) 1007 - No published functional evidence has been identified for this variant. (SP) Legend: (SP) - Supporting pathogenic, (I) - Information, (SB) - Supporting benign

GeneDx
Classification: Uncertain significance. Last evaluated: 2022-04-15. Review status: criteria provided, single submitter. Criteria: GeneDx Variant Classification Process June 2021. Collection method: clinical testing. Allele origin: germline. Affected: yes.
Comment: Not observed at significant frequency in large population cohorts (gnomAD); Nonsense variant predicted to result in protein truncation or nonsense mediated decay in a gene or region of a gene for which loss of function is not a well-established mechanism of disease; Has not been previously published as pathogenic or benign to our knowledge; Variants in candidate genes are classified as variants of uncertain significance in accordance with ACMG guidelines (Richards et al., 2015)

NM_016333.4(SRRM2):c.5230C>T (p.Arg1744Ter)

Gene: SRRM2 (serine/arginine repetitive matrix 2; plus strand). Cytogenetic location: 16p13.3.
Variant type: single nucleotide variant.
Coding change: c.5230C>T on transcript NM_016333.4 (MANE Select); coding-DNA position 5230, C replaced by T.
Protein change: p.Arg1744Ter; replaces arginine 1744 with a stop codon.
Molecular consequence: nonsense.
Genome position (GRCh38, 1-based): chr16:2,765,758, C>T. VCF-style: chr16-2765758-C-T. GRCh37 (hg19) VCF-style: chr16-2815759-C-T.
Other names: short protein forms R1744*.
Identifiers: ClinVar variation 1710819 (VCV001710819.3), dbSNP rs2505611160, ClinGen allele CA394422094.